The following is an entry in ClinVar:

NM_006206.6(PDGFRA):c.2848G>A (p.Val950Met)

Gene: PDGFRA (platelet derived growth factor receptor alpha; plus strand). Cytogenetic location: 4q12.
Variant type: single nucleotide variant.
Coding change: c.2848G>A on transcript NM_006206.6 (MANE Select); coding-DNA position 2848, G replaced by A.
Protein change: p.Val950Met; replaces valine 950 with methionine.
Molecular consequence: missense variant.
Genome position (GRCh38, 1-based): chr4:54,289,082, G>A. VCF-style: chr4-54289082-G-A. GRCh37 (hg19) VCF-style: chr4-55155249-G-A.
Other names: c.2923G>A, p.Val975Met (NM_001347828.2); c.2848G>A, p.Val950Met (NM_001347829.2); c.2887G>A, p.Val963Met (NM_001347830.2); short protein forms V950M, V975M, V963M.
Identifiers: ClinVar variation 2568093 (VCV002568093.4), dbSNP rs2475561178, ClinGen allele CA356895817.

ClinVar aggregate classification (germline): Uncertain significance. Review status: criteria provided, multiple submitters, no conflicts (2 of 4 stars). 2 submissions from 2 submitters: Uncertain significance (2). Last evaluated 2024-06-04.

Conditions:
Gastrointestinal stromal tumor. Also called: Gastrointestinal stromal tumor, somatic; Gastrointestinal stroma tumor. Identifiers: Orphanet 44890, MedGen C0238198, MeSH D046152, MONDO:0011719, OMIM 606764, HP:0100723.
Hereditary cancer-predisposing syndrome. Also called: Hereditary Cancer Syndrome; Hereditary neoplastic syndrome; Neoplastic Syndromes, Hereditary; Tumor predisposition. Identifiers: Orphanet 140162, MedGen C0027672, MeSH D009386, MONDO:0015356.

Submissions (2):

Labcorp Genetics (formerly Invitae), Labcorp
Classification: Uncertain significance for Gastrointestinal stromal tumor. Last evaluated: 2024-06-04. Review status: criteria provided, single submitter. Criteria: Invitae Variant Classification Sherloc (09022015). Collection method: clinical testing. Allele origin: germline.
Comment: This sequence change replaces valine, which is neutral and non-polar, with methionine, which is neutral and non-polar, at codon 950 of the PDGFRA protein (p.Val950Met). This variant is not present in population databases (gnomAD no frequency). This variant has not been reported in the literature in individuals affected with PDGFRA-related conditions. ClinVar contains an entry for this variant (Variation ID: 2568093). Advanced modeling of protein sequence and biophysical properties (such as structural, functional, and spatial information, amino acid conservation, physicochemical variation, residue mobility, and thermodynamic stability) performed at Invitae indicates that this missense variant is not expected to disrupt PDGFRA protein function with a negative predictive value of 80%. In summary, the available evidence is currently insufficient to determine the role of this variant in disease. Therefore, it has been classified as a Variant of Uncertain Significance.

Ambry Genetics
Classification: Uncertain significance for Hereditary cancer-predisposing syndrome. Last evaluated: 2023-06-05. Review status: criteria provided, single submitter. Criteria: Ambry Variant Classification Scheme 2023. Collection method: clinical testing. Allele origin: germline.
Comment: The p.V950M variant (also known as c.2848G>A), located in coding exon 20 of the PDGFRA gene, results from a G to A substitution at nucleotide position 2848. The valine at codon 950 is replaced by methionine, an amino acid with highly similar properties. This amino acid position is conserved. In addition, the in silico prediction for this alteration is inconclusive. Since supporting evidence is limited at this time, the clinical significance of this alteration remains unclear.